The following is an entry in ClinVar:

NM_000243.3(MEFV):c.688G>A (p.Glu230Lys)

Gene: MEFV (MEFV innate immunity regulator, pyrin; minus strand). Cytogenetic location: 16p13.3.
Variant type: single nucleotide variant.
Coding change: c.688G>A on transcript NM_000243.3 (MANE Select); coding-DNA position 688, G replaced by A.
Protein change: p.Glu230Lys; replaces glutamic acid 230 with lysine.
Molecular consequence: missense variant. On other transcripts: intron variant (1).
Genome position (GRCh38, 1-based): chr16:3,254,380, C>T on the plus strand (G>A on the coding strand, the complement: MEFV is on the minus strand). VCF-style: chr16-3254380-C-T. GRCh37 (hg19) VCF-style: chr16-3304380-C-T.
Other names: c.277+1931G>A (NM_001198536.2); short protein forms E230K.
Identifiers: ClinVar variation 97537 (VCV000097537.75), dbSNP rs104895080, ClinGen allele CA280639.

ClinVar aggregate classification (germline): Conflicting classifications of pathogenicity. Review status: criteria provided, conflicting classifications (1 of 4 stars). 17 submissions from 15 submitters: Uncertain significance (13); Likely benign (1). 3 of the submissions do not count toward it. Last evaluated 2026-02-04.

Conditions:
Familial Mediterranean fever (FMF). Also called: POLYSEROSITIS, FAMILIAL PAROXYSMAL; POLYSEROSITIS, RECURRENT; Periodic peritonitis; Benign paroxysmal peritonitis. Identifiers: Orphanet 342, MedGen C0031069, MONDO:0018088, OMIM 249100. Disease mechanism: gain of function.
Familial Mediterranean fever, autosomal dominant. Also called: FMF, AUTOSOMAL DOMINANT; Dominant Familial Mediterranean Fever. Identifiers: Orphanet 342, MedGen C1851347, MONDO:0007601, OMIM 134610.
Acute febrile neutrophilic dermatosis (AFND). Also called: Sweet Syndrome; Gomm Button disease. Identifiers: Orphanet 3243, MedGen C0085077, MONDO:0011959, OMIM 608068.
Autoinflammatory syndrome. Identifiers: Orphanet 93665, MedGen C3890737, MONDO:0019751.

Allele frequency attached by ClinVar (database versions not stated): gnomAD 0.00001 and 0.00016; gnomAD exomes 0.00036 and 0.00063; ExAC 0.00066; 1000 Genomes Project 30x 0.00125; 1000 Genomes Project 0.00140.
gnomAD v4.1: 547 of 1,614,138 alleles (0.034%); highest among the groups gnomAD compares: South Asian, 0.5%; 9 homozygotes.

Submissions 1 to 13 of 17:

Labcorp Genetics (formerly Invitae), Labcorp
Classification: Likely benign for Familial Mediterranean fever. Last evaluated: 2026-02-04. Review status: criteria provided, single submitter. Criteria: Invitae Variant Classification Sherloc (09022015). Collection method: clinical testing. Allele origin: germline.

GeneDx
Classification: Uncertain significance. Last evaluated: 2025-04-28. Review status: criteria provided, single submitter. Criteria: GeneDx Variant Classification Process June 2021. Collection method: clinical testing. Allele origin: germline. Affected: yes.
Comment: Observed with a pathogenic variant in additional patients in published literature, but it is not known whether the variants occurred on the same (in cis) or on different (in trans) chromosomes (PMID: 22903357, 24469716); Observed in apparent homozygous state in a patient with familial Mediterranean fever in the literature, however, also observed in the homozygous state in controls (PMID: 21413889; gnomAD; internal data); In silico analysis supports that this missense variant does not alter protein structure/function; This variant is associated with the following publications: (PMID: 20876156, 22614345, 11464238, 33042144, 33083013, 24929125, 24233262, 26215181, 24469716, 22903357, 35358658, 17489852, 19762364, 36321013, 31803701, 33738724, 35298548, 28943464, 29178647, 29735907, 28421071, 31989427, 35480407, 28927886, 29393966, 32082075, ebnem-ZEMR-SA[CaseReport]2019, 23505242, 27333294, 11470495, 21413889, 36873863, 39581688)

Blueprint Genetics
Classification: Uncertain significance. Last evaluated: 2024-11-27. Review status: criteria provided, single submitter. Criteria: ACMG Guidelines, 2015. Collection method: clinical testing. Allele origin: germline.

Fulgent Genetics
Classification: Uncertain significance for Familial Mediterranean fever, autosomal dominant; Familial Mediterranean fever; Acute febrile neutrophilic dermatosis. Last evaluated: 2024-02-19. Review status: criteria provided, single submitter. Criteria: ACMG Guidelines, 2015. Collection method: clinical testing. Allele origin: germline.

CeGaT Center for Human Genetics Tuebingen
Classification: Uncertain significance. Last evaluated: 2023-06-01. Review status: criteria provided, single submitter. Criteria: CeGaT Center For Human Genetics Tuebingen Variant Classification Criteria Version 2. Collection method: clinical testing. Allele origin: germline. Affected: yes. Observed: 4 variant alleles.
Comment: MEFV: PM3:Strong, PM2:Supporting, BP4

Women's Health and Genetics/Laboratory Corporation of America, LabCorp
Classification: Uncertain significance. Last evaluated: 2023-03-17. Review status: criteria provided, single submitter. Criteria: LabCorp Variant Classification Summary - May 2015. Collection method: clinical testing. Allele origin: germline.
Comment: Variant summary: MEFV c.688G>A (p.Glu230Lys) results in a conservative amino acid change in the encoded protein sequence. Four of five in-silico tools predict a benign effect of the variant on protein function. The variant allele was found at a frequency of 0.00063 in 249694 control chromosomes, predominantly at a frequency of 0.0047 within the South Asian subpopulation in the gnomAD database, including 1 homozygotes. This frequency is not significantly higher than estimated for a pathogenic variant in MEFV causing Familial Mediterranean Fever (0.00063 vs 0.022), allowing no conclusion about variant significance. c.688G>A has been reported in the literature as homozygous and compound heterozygous genotypes in individuals reportedly meeting the clinical diagnostic criteria for Familial Mediterranean Fever (FMF) (example, Timmann_2001, Kallinich_2010, Berdelli_2011, Lainka_2012, Omenetti_2013, Gohar_2016, Arpaci_2021). These data indicate that the variant may be associated with disease. To our knowledge, no experimental evidence demonstrating an impact on protein function has been reported.Nine clinical diagnostic laboratories have submitted clinical-significance assessments for this variant to ClinVar after 2014 with a predominant consensus as VUS (n=8) (Likely Benign, n=1). Based on the evidence outlined above, the variant was classified as uncertain significance.

Genome Diagnostics Laboratory, The Hospital for Sick Children
Classification: Uncertain significance for Autoinflammatory syndrome. Last evaluated: 2021-05-27. Review status: criteria provided, single submitter. Criteria: ACMG Guidelines, 2015. Collection method: clinical testing. Allele origin: germline. Affected: yes.

Genome-Nilou Lab
Classification: Uncertain significance for Familial Mediterranean fever. Last evaluated: 2021-05-18. Review status: criteria provided, single submitter. Criteria: ACMG Guidelines, 2015. Collection method: clinical testing. Allele origin: germline. Affected: no.

Center for Genomics, Ann and Robert H. Lurie Children's Hospital of Chicago
Classification: Uncertain significance for Acute febrile neutrophilic dermatosis; Familial Mediterranean fever; Familial Mediterranean fever, autosomal dominant. Last evaluated: 2021-03-30. Review status: criteria provided, single submitter. Criteria: ACMG Guidelines, 2015. Collection method: clinical testing. Allele origin: germline.
Comment: MEFV NM_000243.2 exon 2 p.Glu230Lys (c.688G>A): This variant has been reported in the literature in at least 3 individuals with features of Familial Mediteranean Fever (FMF), at least one of whom represented a compound heterozygote in trans with a known pathogenic variant (Timmann 2001 PMID:1147095, Touitou 2001 PMID:11464238, Ceylan 2012 PMID:29178647). In addition, this variant was also identified in 1 individual with features of FMF and multiple sclerosis (Blaschek 2010 PMID:20876156). This variant is present in 0.4% (143/30614) of South Asian alleles, including 1 homozygote, in the Genome Aggregation Database. This variant is present in ClinVar (Variation ID:97537). Evolutionary conservation for this variant is unclear; however, this variant Lysine (Lys) is present in 2 primates. Computational predictive tools suggest that this variant may not impact the protein. In summary, data on this variant is insufficient for disease classification. Therefore, the clinical significance of this variant is uncertain.

Mendelics
Classification: Uncertain significance for Familial Mediterranean fever. Last evaluated: 2019-05-28. Review status: criteria provided, single submitter. Criteria: Mendelics Assertion Criteria 2017. Collection method: clinical testing. Allele origin: unknown.

Center for Genomics, Ann and Robert H. Lurie Children's Hospital of Chicago
Classification: Uncertain significance for Familial Mediterranean fever, autosomal dominant; Familial Mediterranean fever. Last evaluated: 2019-05-14. Review status: criteria provided, single submitter. Criteria: ACMG Guidelines, 2015. Collection method: clinical testing. Allele origin: germline.
Comment: the same text as in the submission from Center for Genomics, Ann and Robert H. Lurie Children's Hospital of Chicago above.

Illumina Laboratory Services, Illumina
Classification: Uncertain significance for Familial Mediterranean fever. Last evaluated: 2017-04-27. Review status: criteria provided, single submitter. Criteria: ICSL Variant Classification Criteria 13 December 2019. Collection method: clinical testing. Allele origin: germline.
Comment: This variant was observed as part of a predisposition screen in an ostensibly healthy population. A literature search was performed for the gene, cDNA change, and amino acid change (where applicable). Publications were found based on this search. However, the evidence from the literature, in combination with allele frequency data from public databases where available, was not sufficient to rule this variant in or out of causing disease. Therefore, this variant is classified as a variant of unknown significance.

Neuberg Centre For Genomic Medicine, NCGM
Classification: Uncertain significance for Familial Mediterranean fever, autosomal dominant. Review status: criteria provided, single submitter. Criteria: ACMG Guidelines, 2015. Collection method: clinical testing. Allele origin: germline. Inheritance: Autosomal dominant inheritance. Affected: yes.
Comment: The missense c.688G>A p.Glu230Lys variant in MEFV gene has been reported previously in compound heterozygous state in individuals affected with Familial Mediterranean fever FMF Timmann et al., 2001. This variant is reported with the allele frequency of 0.06% in the gnomAD Exomes. This variant has been reported to the ClinVar database as Uncertain Significance. However, no details are available for independent assessment. The amino acid Glu at position 230 is changed to a Lys changing protein sequence and it might alter its composition and physico-chemical properties. The amino acid change p.Glu230Lys in MEFV is predicted as conserved by GERP++ and PhyloP across 100 vertebrates. The variant is predicted as damaging by SIFT. For these reasons, this variant has been classified as Uncertain Significance.